The following is an entry in ClinVar:

NM_007118.4(TRIO):c.5822_5823insAG (p.Phe1942fs)

Gene: TRIO (trio Rho guanine nucleotide exchange factor; plus strand). Cytogenetic location: 5p15.2.
Variant type: Insertion.
Coding change: c.5822_5823insAG on transcript NM_007118.4 (MANE Select); coding-DNA positions 5822 to 5823, AG inserted.
Protein change: p.Phe1942fs; shifts the reading frame from phenylalanine 1942.
Molecular consequence: frameshift variant. On other transcripts: non-coding transcript variant (1).
Genome position: GRCh38 VCF-style: chr5-14471376-C-CAG. GRCh37 (hg19) VCF-style: chr5-14471485-C-CAG.
Other names: short protein forms F1942fs.
Identifiers: ClinVar variation 3376172 (VCV003376172.1).
Genomic context (GRCh38, chr5:14,471,376, plus strand): 5'-AGGCACTGGAGGATCGCCCCAGCTCACTCCTTGTTGACCAGGGAGATAGTAGCAGCCCTT[C>CAG]CTTCAACCCTTCGGATAATTCCCTTCTCTCTTCCTCCTCGCCCATTGATGAGATGGAAGA-3'

ClinVar aggregate classification (germline): Likely pathogenic (1 of 4 stars; one submission).

Conditions:
Intellectual developmental disorder, autosomal dominant 63, with macrocephaly. Also called: MENTAL RETARDATION, AUTOSOMAL DOMINANT 63, WITH MACROCEPHALY. Identifiers: MedGen C5394205, MONDO:0032939, OMIM 618825.

Submission:

Pittsburgh Clinical Genomics Laboratory, University of Pittsburgh Medical Center
Classification: Likely pathogenic for Intellectual developmental disorder, autosomal dominant 63, with macrocephaly. Last evaluated: 2023-03-17. Review status: criteria provided, single submitter. Criteria: ACMG Guidelines, 2015. Collection method: clinical testing. Allele origin: germline. Inheritance: Autosomal dominant inheritance. Affected: yes.
Comment: This sequence variant is an insertion of two nucleotides (insAG) at coding positions 5822 and 5823 in exon 38 of 57 of the TRIO gene. This insertion introduces a premature termition sigl 27 codons downstream of a frameshift introduced at codon 1942. This variant is predicted to generate a non-functiol allele through either the expression of a truncated protein or a loss of TRIO expression due to nonsense mediated decay. This novel variant is absent from an online database of clinically annotated variants (ClinVar) and from the gnomAD population database (0 of approximately 250,000 alleles). This variant has not been observed in an individual affected by a TRIO-related disorder in the published literature, to our knowledge. Likewise, the functiol consequence of this variant has not been published, to our knowledge. However, haploinsufficiency in TRIO is a known mechanism of disease (ClinGen). Based upon the evidence, we consider this variant to be likely pathogenic. ACMG Criteria: PM2, PVS1